The following is an entry in ClinVar:

NM_000256.3(MYBPC3):c.180G>C (p.Glu60Asp)

Gene: MYBPC3 (myosin binding protein C3; minus strand). Cytogenetic location: 11p11.2.
Variant type: single nucleotide variant.
Coding change: c.180G>C on transcript NM_000256.3 (MANE Select); coding-DNA position 180, G replaced by C.
Protein change: p.Glu60Asp; replaces glutamic acid 60 with aspartic acid.
Molecular consequence: missense variant.
Genome position (GRCh38, 1-based): chr11:47,351,351, C>G on the plus strand (G>C on the coding strand, the complement: MYBPC3 is on the minus strand). VCF-style: chr11-47351351-C-G. GRCh37 (hg19) VCF-style: chr11-47372902-C-G.
Other names: short protein forms E60D.
Identifiers: ClinVar variation 3071174 (VCV003071174.1), dbSNP rs1399076195, ClinGen allele CA380341765.

ClinVar aggregate classification (germline): Uncertain significance (1 of 4 stars; one submission).

Conditions:
Hypertrophic cardiomyopathy. Also called: HYPERTROPHIC MYOCARDIOPATHY. Identifiers: Orphanet 217569, MedGen C0007194, MeSH D002312, MONDO:0005045, HP:0001639.

gnomAD v4.1: 2 of 1,603,134 alleles (0.00012%); highest among the groups gnomAD compares: Admixed American, 0.0034%; no homozygotes.

Submission:

All of Us Research Program, National Institutes of Health
Classification: Uncertain significance for Hypertrophic cardiomyopathy. Last evaluated: 2023-05-31. Review status: criteria provided, single submitter. Criteria: ACMG Guidelines, 2015. Collection method: clinical testing. Allele origin: germline. Inheritance: Autosomal dominant inheritance. Observed: 1 variant allele, 1 heterozygote.
Comment: This study involves interpretation of variants in research participants for the purpose of population health screening. Participant phenotype was not available at the time of variant classification. Additional details can be found in publication PMID: 35346344, PMCID: PMC8962531